The following is an entry in ClinVar:

ClinVar aggregate classification (germline): Likely pathogenic (1 of 4 stars; one submission).

Conditions:
Autosomal recessive Robinow syndrome (RRS1). Also called: COSTOVERTEBRAL SEGMENTATION DEFECT WITH MESOMELIA; COVESDEM SYNDROME; ROR2-Related Robinow Syndrome; ROBINOW SYNDROME, AUTOSOMAL RECESSIVE 1. Identifiers: Orphanet 1507, Orphanet 97360, MedGen C5399974, MONDO:0009999, OMIM 268310.

gnomAD v4.1: 2 of 1,611,206 alleles (0.00012%); highest among the groups gnomAD compares: Non-Finnish European, 0.00017%; no homozygotes.

Submission:

CHU Sainte-Justine Research Center, University of Montreal
Classification: Likely pathogenic for Autosomal recessive Robinow syndrome. Last evaluated: 2022-01-04. Review status: criteria provided, single submitter. Criteria: ACMG Guidelines, 2015. Collection method: clinical testing. Allele origin: maternal. Affected: yes.
Comment: Compound heterozygous with NM_004560.3:c.1856G>A

NM_004560.4(ROR2):c.640G>C (p.Gly214Arg)

Gene: ROR2 (receptor tyrosine kinase like orphan receptor 2; minus strand). Cytogenetic location: 9q22.31.
Variant type: single nucleotide variant.
Coding change: c.640G>C on transcript NM_004560.4 (MANE Select); coding-DNA position 640, G replaced by C.
Protein change: p.Gly214Arg; replaces glycine 214 with arginine.
Molecular consequence: missense variant.
Genome position (GRCh38, 1-based): chr9:91,733,419, C>G on the plus strand (G>C on the coding strand, the complement: ROR2 is on the minus strand). VCF-style: chr9-91733419-C-G. GRCh37 (hg19) VCF-style: chr9-94495701-C-G.
Other names: c.640G>C, p.Gly214Arg (NM_001318204.2); short protein forms G214R.
Identifiers: ClinVar variation 2412792 (VCV002412792.1), dbSNP rs1336789467, ClinGen allele CA373801523.
Genomic context (GRCh38, chr9:91,733,419, plus strand): 5'-AGTGGCAGAAGGATGGGATGGCGAACTGTGAGCACTGGTCCGACAGGTGCGTAGACGTGC[C>G]GATCATGGTGAAGGCCGCTGCAGAGCCCGCGAGACTCGCGTTAGCGGGGGACCCACCTTG-3'
Protein context (NP_004551.2, residues 204-224): NRITAAFTMI[Gly214Arg]TSTHLSDQCS